The following is an entry in ClinVar:

ClinVar aggregate classification (germline): Pathogenic. Review status: criteria provided, multiple submitters, no conflicts (2 of 4 stars). 3 submissions from 3 submitters: Pathogenic (2). 1 of the submissions does not count toward it. Last evaluated 2023-11-08.

Conditions:
Myofibrillar myopathy 8. Identifiers: MedGen C4310645, MONDO:0014993, OMIM 617258.

Submissions (3):

GeneDx
Classification: Pathogenic. Last evaluated: 2023-11-08. Review status: criteria provided, single submitter. Criteria: GeneDx Variant Classification Process June 2021. Collection method: clinical testing. Allele origin: germline. Affected: yes.
Comment: Frameshift variant predicted to result in protein truncation or nonsense mediated decay in a gene for which loss of function is a known mechanism of disease; Not observed at significant frequency in large population cohorts (gnomAD); This variant is associated with the following publications: (PMID: 33694278)

Labcorp Genetics (formerly Invitae), Labcorp
Classification: Pathogenic. Last evaluated: 2023-03-16. Review status: criteria provided, single submitter. Criteria: Invitae Variant Classification Sherloc (09022015). Collection method: clinical testing. Allele origin: germline.
Comment: For these reasons, this variant has been classified as Pathogenic. This premature translational stop signal has been observed in individual(s) with clinical features of myofibrillar myopathy (PMID: 33694278). In at least one individual the data is consistent with being in trans (on the opposite chromosome) from a pathogenic variant. This variant is present in population databases (rs765752811, gnomAD 0.004%). This sequence change creates a premature translational stop signal (p.Leu112Valfs*8) in the PYROXD1 gene. It is expected to result in an absent or disrupted protein product. Loss-of-function variants in PYROXD1 are known to be pathogenic (PMID: 27745833).

OMIM
Classification: Pathogenic for MYOPATHY, MYOFIBRILLAR, 8. Last evaluated: 2023-04-13. Review status: no assertion criteria provided. Collection method: literature only. Allele origin: germline. Not counted in ClinVar's aggregate classification.

Literature cited by the submitters: PubMed 33694278 (cited by Labcorp Genetics (formerly Invitae), Labcorp and OMIM); PubMed 27745833 (cited by Labcorp Genetics (formerly Invitae), Labcorp).

NM_024854.5(PYROXD1):c.334_337del (p.Leu112fs)

Gene: PYROXD1 (pyridine nucleotide-disulphide oxidoreductase domain 1; plus strand). Cytogenetic location: 12p12.1.
Variant type: Microsatellite.
Coding change: c.334_337del on transcript NM_024854.5 (MANE Select); coding-DNA positions 334 to 337, 4 bases deleted (CTGT; older notation c.334_337delCTGT).
Protein change: p.Leu112fs; shifts the reading frame from leucine 112.
Molecular consequence: frameshift variant. On other transcripts: 5 prime UTR variant (1).
Genome position (GRCh38, 1-based): chr12:21,449,611-21,449,614, CTGT deleted; deleting any 4 consecutive bases within chr12:21,449,606-21,449,614 gives the same sequence; the c. name uses the placement nearest the transcript's 3' end. VCF-style (leftmost placement, unchanged base first): chr12-21449605-CTCTG-C. GRCh37 (hg19) VCF-style: chr12-21602539-CTCTG-C.
Other names: c.334_337del (NM_024854.3); c.121_124del, p.Leu41fs (NM_001350912.2); c.-374CTGT[1] (NM_001350913.2); c.329_332delTCTG (NM_024854.3); short protein forms L112fs, L41fs.
Identifiers: ClinVar variation 2498275 (VCV002498275.5), dbSNP rs765752811, ClinGen allele CA6478177.
Genomic context (GRCh38, chr12:21,449,605, plus strand): 5'-TGTTTGATGTATTTACAGTGCATTGTAACAGAAGATGGCAATCAGCACGTATATAAGAAA[CTCTG>C]TCTGTGTGCTGGAGCTAAACCAAAGTTGATATGTGAAGGAAATCCTTATGTATTAGGAAT-3'